The following is an entry in ClinVar:

ClinVar aggregate classification (germline): Conflicting classifications of pathogenicity. Review status: criteria provided, conflicting classifications (1 of 4 stars). 3 submissions from 3 submitters: Pathogenic (1); Uncertain significance (2). Last evaluated 2026-01-09.

Conditions:
Hereditary cancer-predisposing syndrome. Also called: Tumor predisposition; Hereditary Cancer Syndrome; Neoplastic Syndromes, Hereditary; Hereditary neoplastic syndrome. Identifiers: Orphanet 140162, MedGen C0027672, MeSH D009386, MONDO:0015356.

Allele frequency attached by ClinVar (database versions not stated): TOPMed 0.00001.

Submissions (3):

Ambry Genetics
Classification: Uncertain significance for Hereditary cancer-predisposing syndrome. Last evaluated: 2026-01-09. Review status: criteria provided, single submitter. Criteria: Ambry Variant Classification Scheme 2023. Collection method: clinical testing. Allele origin: germline.
Comment: The c.4857_4858insA variant, located in coding exon 37 of the POLE gene, results from an insertion of one nucleotide at position 4857, causing a translational frameshift with a predicted alternate stop codon (p.G1620Rfs*74). This alteration is expected to result in loss of function by premature protein truncation or nonsense-mediated mRNA decay. Although biallelic loss of function of POLE has been associated with autosomal recessive POLE deficiency, haploinsufficiency of POLE has not been established as a mechanism of disease for POLE-related polymerase proofreading-associated polyposis (PPAP) and POLE-related CMMRD-like syndrome. Based on the supporting evidence, this variant is expected to be causative of POLE deficiency when present along with a second pathogenic variant on the other allele; however, its clinical significance for PPAP and POLE-related CMMRD-like syndrome is unclear.

Labcorp Genetics (formerly Invitae), Labcorp
Classification: Pathogenic. Last evaluated: 2024-04-08. Review status: criteria provided, single submitter. Criteria: Invitae Variant Classification Sherloc (09022015). Collection method: clinical testing. Allele origin: germline.
Comment: This sequence change creates a premature translational stop signal (p.Gly1620Argfs*74) in the POLE gene. It is expected to result in an absent or disrupted protein product. Loss-of-function variants in POLE are known to be pathogenic (PMID: 23230001, 25948378, 30503519). This variant is not present in population databases (gnomAD no frequency). This variant has not been reported in the literature in individuals affected with POLE-related conditions. ClinVar contains an entry for this variant (Variation ID: 545787). For these reasons, this variant has been classified as Pathogenic.

GeneDx
Classification: Uncertain significance. Last evaluated: 2017-05-11. Review status: criteria provided, single submitter. Criteria: GeneDx Variant Classification (06012015). Collection method: clinical testing. Allele origin: germline. Affected: yes.
Comment: This insertion of one nucleotide in POLE is denoted c.4857_4858insA at the cDNA level and p.Gly1620ArgfsX74 (G1620RfsX74) at the protein level. The normal sequence, with the base that is inserted in brackets, is CTAT[insA]GGGGT. The insertion causes a frameshift which changes a Glycine to an Arginine at codon 1620, and creates a premature stop codon at position 74 of the new reading frame. Although this variant has not, to our knowledge, been reported in the literature, it is predicted to cause loss of normal protein function through either protein truncation or nonsense-mediated mRNA decay. However, while missense variants located within the exonuclease domain of the POLE gene have been recognized as an underlying cause of Polymerase Proofreading-Associated Polyposis (PPAP), an autosomal dominant condition associated with polyposis and an increased risk for colon cancer (Palles 2013, Spier 2014), there are no data to support that loss-of-function variants, such as this one, confer the same cancer risks. Based on current evidence, we consider this variant be of uncertain significance with respect to cancer. A recessive disease associated with one POLE variant has been reported in the literature. In one large consanguineous family, 11 affected relatives with a syndrome called FILS (facial dysmorphism, immunodeficiency, livedo, and short stature) were all found to be homozygous for a POLE c.4444+3A>G, a splice variant which results in a small proportion (~10%) of normal POLE transcript (Pachlopnik Schmid 2012). In addition, an unrelated individual with a suspected chromosome instability syndrome was also found to be homozygous for POLE c.4444+3A>G (Thiffault 2015). We cannot assess whether the variant identified in the current patient would cause the same recessive disease. Individuals and family members of reproductive age may choose to consider assessment of potential reproductive risks.

Literature cited by the submitters: PubMed 23230001 (cited by Labcorp Genetics (formerly Invitae), Labcorp); PubMed 25948378 (cited by Labcorp Genetics (formerly Invitae), Labcorp); PubMed 30503519 (cited by Labcorp Genetics (formerly Invitae), Labcorp).

NM_006231.4(POLE):c.4857_4858insA (p.Gly1620fs)

Gene: POLE (DNA polymerase epsilon, catalytic subunit; minus strand). Cytogenetic location: 12q24.33.
Variant type: Insertion.
Coding change: c.4857_4858insA on transcript NM_006231.4 (MANE Select); coding-DNA positions 4857 to 4858, A inserted.
Protein change: p.Gly1620fs; shifts the reading frame from glycine 1620.
Molecular consequence: frameshift variant.
Genome position: GRCh38 VCF-style: chr12-132642600-C-CT. GRCh37 (hg19) VCF-style: chr12-133219186-C-CT.
Other names: short protein forms G1620fs.
Identifiers: ClinVar variation 545787 (VCV000545787.6), dbSNP rs1432073374, ClinGen allele CA658822754.